The following is an entry in ClinVar:

ClinVar aggregate classification (germline): Uncertain significance. Review status: criteria provided, multiple submitters, no conflicts (2 of 4 stars). 2 submissions from 2 submitters: Uncertain significance (2). Last evaluated 2023-09-20.

gnomAD v4.1: 15 of 1,614,112 alleles (0.00093%); highest among the groups gnomAD compares: Middle Eastern, 0.25%; no homozygotes.

Submissions (2):

Labcorp Genetics (formerly Invitae), Labcorp
Classification: Uncertain significance. Last evaluated: 2023-09-20. Review status: criteria provided, single submitter. Criteria: Invitae Variant Classification Sherloc (09022015). Collection method: clinical testing. Allele origin: germline.
Comment: This sequence change replaces valine, which is neutral and non-polar, with leucine, which is neutral and non-polar, at codon 42 of the ARHGAP24 protein (p.Val42Leu). This variant is not present in population databases (gnomAD no frequency). This variant has not been reported in the literature in individuals affected with ARHGAP24-related conditions. ClinVar contains an entry for this variant (Variation ID: 1933513). An algorithm developed to predict the effect of missense changes on protein structure and function (PolyPhen-2) suggests that this variant is likely to be disruptive. In summary, the available evidence is currently insufficient to determine the role of this variant in disease. Therefore, it has been classified as a Variant of Uncertain Significance.

GeneDx
Classification: Uncertain significance. Last evaluated: 2023-05-30. Review status: criteria provided, single submitter. Criteria: GeneDx Variant Classification Process June 2021. Collection method: clinical testing. Allele origin: germline. Affected: yes.
Comment: Not observed at significant frequency in large population cohorts (gnomAD); In silico analysis supports that this missense variant has a deleterious effect on protein structure/function; Has not been previously published as pathogenic or benign to our knowledge

NM_001025616.3(ARHGAP24):c.124G>C (p.Val42Leu)

Gene: ARHGAP24 (Rho GTPase activating protein 24; plus strand). Cytogenetic location: 4q21.23.
Variant type: single nucleotide variant.
Coding change: c.124G>C on transcript NM_001025616.3 (MANE Select); coding-DNA position 124, G replaced by C.
Protein change: p.Val42Leu; replaces valine 42 with leucine.
Molecular consequence: missense variant.
Genome position (GRCh38, 1-based): chr4:85,570,665, G>C. VCF-style: chr4-85570665-G-C. GRCh37 (hg19) VCF-style: chr4-86491818-G-C.
Other names: c.124G>C (NM_001025616.2); short protein forms V42L.
Identifiers: ClinVar variation 1933513 (VCV001933513.6), dbSNP rs868093634, ClinGen allele CA101257144.